The following is an entry in ClinVar:

NM_001270.4(CHD1):c.4741A>G (p.Asn1581Asp)

Gene: CHD1 (chromodomain helicase DNA binding protein 1; minus strand). Cytogenetic location: 5q15.
Variant type: single nucleotide variant.
Coding change: c.4741A>G on transcript NM_001270.4 (MANE Select); coding-DNA position 4741, A replaced by G.
Protein change: p.Asn1581Asp; replaces asparagine 1581 with aspartic acid.
Molecular consequence: missense variant. On other transcripts: non-coding transcript variant (2).
Genome position (GRCh38, 1-based): chr5:98,858,226, T>C on the plus strand (A>G on the coding strand, the complement: CHD1 is on the minus strand). VCF-style: chr5-98858226-T-C. GRCh37 (hg19) VCF-style: chr5-98193930-T-C.
Other names: c.5005A>G, p.Asn1669Asp (NM_001364113.3); c.4741A>G, p.Asn1581Asp (NM_001376194.2); short protein forms N1581D, N1669D.
Identifiers: ClinVar variation 2655606 (VCV002655606.24), dbSNP rs2479330907, ClinGen allele CA360516019.
Genomic context (GRCh38, chr5:98,858,226, plus strand): 5'-ACTGCCAAGTTTACCTGCTGTCTTGCTTGTAGTGATCCCAATCACGATGGTCTTTACCAT[T>C]ACTAAAAGAAGAATAGGGTCTTTTCCTGGAATCACTTTTTTTGTAAGAATCTCCCTGATG-3'
Protein context (NP_001261.2, residues 1571-1591): SRKRPYSSFS[Asn1581Asp]GKDHRDWDHY

ClinVar aggregate classification (germline): Uncertain significance (1 of 4 stars; one submission).

Submission:

CeGaT Center for Human Genetics Tuebingen
Classification: Uncertain significance. Last evaluated: 2022-07-01. Review status: criteria provided, single submitter. Criteria: CeGaT Center For Human Genetics Tuebingen Variant Classification Criteria Version 2. Collection method: clinical testing. Allele origin: germline. Affected: yes. Observed: 1 variant allele.
Comment: CHD1: PM2, PP2